The following is an entry in ClinVar:

ClinVar aggregate classification (germline): Uncertain significance. Review status: criteria provided, multiple submitters, no conflicts (2 of 4 stars). 3 submissions from 3 submitters: Uncertain significance (3). Last evaluated 2023-01-13.

Conditions:
Hypertrophic cardiomyopathy. Also called: HYPERTROPHIC MYOCARDIOPATHY. Identifiers: Orphanet 217569, MedGen C0007194, MeSH D002312, MONDO:0005045, HP:0001639.

gnomAD v4.1: 1 of 1,612,352 alleles (0.000062%); highest among the groups gnomAD compares: Non-Finnish European, 0.000085%; no homozygotes.

Submissions (3):

GeneDx
Classification: Uncertain significance. Last evaluated: 2023-01-13. Review status: criteria provided, single submitter. Criteria: GeneDx Variant Classification Process June 2021. Collection method: clinical testing. Allele origin: germline. Affected: yes.
Comment: Not observed at significant frequency in large population cohorts (gnomAD); In silico analysis supports that this missense variant has a deleterious effect on protein structure/function; Has not been previously published as pathogenic or benign to our knowledge

Labcorp Genetics (formerly Invitae), Labcorp
Classification: Uncertain significance for Hypertrophic cardiomyopathy. Last evaluated: 2022-03-28. Review status: criteria provided, single submitter. Criteria: Invitae Variant Classification Sherloc (09022015). Collection method: clinical testing. Allele origin: germline.
Comment: This sequence change replaces aspartic acid, which is acidic and polar, with histidine, which is basic and polar, at codon 1443 of the MYH7 protein (p.Asp1443His). This variant is not present in population databases (gnomAD no frequency). In summary, the available evidence is currently insufficient to determine the role of this variant in disease. Therefore, it has been classified as a Variant of Uncertain Significance. Algorithms developed to predict the effect of missense changes on protein structure and function are either unavailable or do not agree on the potential impact of this missense change (SIFT: "Deleterious"; PolyPhen-2: "Probably Damaging"; Align-GVGD: "Class C0"). This variant has not been reported in the literature in individuals affected with MYH7-related conditions.

Revvity Omics, Revvity
Classification: Uncertain significance. Last evaluated: 2021-03-27. Review status: criteria provided, single submitter. Criteria: ACMG Guidelines, 2015. Collection method: clinical testing. Allele origin: germline.

NM_000257.4(MYH7):c.4327G>C (p.Asp1443His)

Genes: MHRT (myosin heavy chain associated RNA transcript; plus strand), MYH7 (myosin heavy chain 7; minus strand). Cytogenetic location: 14q11.2.
Variant type: single nucleotide variant.
Coding change: c.4327G>C on transcript NM_000257.4 (MANE Select); coding-DNA position 4327, G replaced by C.
Protein change: p.Asp1443His; replaces aspartic acid 1443 with histidine.
Molecular consequence: missense variant.
Genome position (GRCh38, 1-based): chr14:23,417,529, C>G on the plus strand (G>C on the coding strand, the complement: MYH7 is on the minus strand). VCF-style: chr14-23417529-C-G. GRCh37 (hg19) VCF-style: chr14-23886738-C-G.
Other names: c.4327G>C (NM_000257.2); short protein forms D1443H.
Identifiers: ClinVar variation 1395735 (VCV001395735.9), dbSNP rs2138646412, ClinGen allele CA389040086.